The following is an entry in ClinVar:

NM_000277.3(PAH):c.137G>A (p.Gly46Asp)

Gene: PAH (phenylalanine hydroxylase; minus strand). Cytogenetic location: 12q23.2.
Variant type: single nucleotide variant.
Coding change: c.137G>A on transcript NM_000277.3 (MANE Select); coding-DNA position 137, G replaced by A.
Protein change: p.Gly46Asp; replaces glycine 46 with aspartic acid.
Molecular consequence: missense variant.
Genome position (GRCh38, 1-based): chr12:102,912,822, C>T on the plus strand (G>A on the coding strand, the complement: PAH is on the minus strand). VCF-style: chr12-102912822-C-T. GRCh37 (hg19) VCF-style: chr12-103306600-C-T.
Other names: c.137G>A, p.Gly46Asp (NM_001354304.2); short protein forms G46D.
Identifiers: ClinVar variation 3902766 (VCV003902766.1).

ClinVar aggregate classification (germline): Uncertain significance (1 of 4 stars; one submission).

Submission:

Women's Health and Genetics/Laboratory Corporation of America, LabCorp
Classification: Uncertain significance. Last evaluated: 2025-05-22. Review status: criteria provided, single submitter. Criteria: LabCorp Variant Classification Summary - May 2015. Collection method: clinical testing. Allele origin: germline.
Comment: Variant summary: PAH c.137G>A (p.Gly46Asp) results in a non-conservative amino acid change in the encoded protein sequence. Algorithms developed to predict the effect of missense changes on protein structure and function all suggest that this variant is likely to be disruptive. The variant was absent in 251414 control chromosomes. c.137G>A has been observed in multiple individuals affected with Phenylalanine Hydroxylase Deficiency (Phenylketonuria) without reported genotypes (e.g. Zhang_2021, Ajami_2023). These report(s) do not provide unequivocal conclusions about association of the variant with Phenylalanine Hydroxylase Deficiency (Phenylketonuria). Different variants affecting the same codon have been classified as likely pathogenic/pathogenic by our lab or in ClinVar (c.136G>C (p.Gly46Arg) and c.136G>A (p.Gly46Ser)), supporting the critical relevance of codon 46 to PAH protein function. To our knowledge, no experimental evidence demonstrating an impact on protein function has been reported. No submitters have cited clinical-significance assessments for this variant to ClinVar. Based on the evidence outlined above, the variant was classified as VUS-possibly pathogenic.

Literature cited by the submitters: PubMed 33514801; PubMed 37525467.